The following is an entry in ClinVar:

ClinVar aggregate classification (germline): Uncertain significance (1 of 4 stars; one submission).

Conditions:
PLXNA3-related disorder. Also called: PLXNA3-related condition.

gnomAD v4.1: 5 of 1,211,536 alleles (0.00041%); highest among the groups gnomAD compares: Non-Finnish European, 0.00056%; no homozygotes.

Submission:

PreventionGenetics, part of Exact Sciences
Classification: Uncertain significance for PLXNA3-related condition. Last evaluated: 2026-06-02. Review status: criteria provided, single submitter. Criteria: ACMG Guidelines, 2015. Collection method: clinical testing. Allele origin: germline.
Comment: The PLXNA3 c.836C>G variant is predicted to result in the amino acid substitution p.Pro279Arg. To our knowledge, this variant has not been reported in the literature or in a large population database (gnomAD), indicating this variant is rare. At this time, the clinical significance of this variant is uncertain due to the absence of conclusive functional and genetic evidence.

NM_017514.5(PLXNA3):c.836C>G (p.Pro279Arg)

Gene: PLXNA3 (plexin A3; plus strand). Cytogenetic location: Xq28.
Variant type: single nucleotide variant.
Coding change: c.836C>G on transcript NM_017514.5 (MANE Select); coding-DNA position 836, C replaced by G.
Protein change: p.Pro279Arg; replaces proline 279 with arginine.
Molecular consequence: missense variant.
Genome position (GRCh38, 1-based): chrX:154,461,340, C>G. VCF-style: chrX-154461340-C-G. GRCh37 (hg19) VCF-style: chrX-153689680-C-G.
Other names: short protein forms P279R.
Identifiers: ClinVar variation 4982305 (VCV004982305.1).